The following is an entry in ClinVar:

NM_001130438.3(SPTAN1):c.4485C>T (p.Asn1495=)

Gene: SPTAN1 (spectrin alpha, non-erythrocytic 1; plus strand). Cytogenetic location: 9q34.11.
Variant type: single nucleotide variant.
Coding change: c.4485C>T on transcript NM_001130438.3 (MANE Select); coding-DNA position 4485, C replaced by T.
Protein change: p.Asn1495=; no amino-acid change (asparagine 1495 retained).
Molecular consequence: synonymous variant.
Genome position (GRCh38, 1-based): chr9:128,608,270, C>T. VCF-style: chr9-128608270-C-T. GRCh37 (hg19) VCF-style: chr9-131370549-C-T.
Other names: c.4425C>T, p.Asn1475= (NM_001195532.2, NM_001363765.2); c.4485C>T, p.Asn1495= (NM_001363759.2, NM_003127.4).
Identifiers: ClinVar variation 516698 (VCV000516698.31), dbSNP rs767175912, ClinGen allele CA5265180.
Genomic context (GRCh38, chr9:128,608,270, plus strand): 5'-CTCACTGGACAGCGTAGAGGCTCTGATCAAAAAACATGAAGACTTTGACAAAGCGATTAA[C>T]GTCCAGGTGAGGCCTCTGGACCATGGAGTTGGAGTCTGGATTTTTCCTGATTGACATCTG-3'
Protein context (NP_001123910.1, residues 1485-1505): KKHEDFDKAI[Asn1495=]VQEEKIAALQ

ClinVar aggregate classification (germline): Likely benign. Review status: criteria provided, multiple submitters, no conflicts (2 of 4 stars). 4 submissions from 4 submitters: Likely benign (4). Last evaluated 2024-10-01.

Conditions:
Early-infantile DEE. Also called: Early infantile epileptic encephalopathy; Ohtahara syndrome; Early infantile epileptic encephalopathy with suppression bursts. Identifiers: Orphanet 1934, MedGen C0393706, MONDO:0800491.
Inborn genetic diseases. Identifiers: MedGen C0950123, MeSH D030342.

Allele frequency attached by ClinVar (database versions not stated): gnomAD 0.00005 and 0.00006; TOPMed 0.00006; ExAC 0.00007; gnomAD exomes 0.00008 and 0.00015.
gnomAD v4.1: 228 of 1,614,038 alleles (0.014%); highest among the groups gnomAD compares: East Asian, 0.02%; no homozygotes.

Submissions (4):

CeGaT Center for Human Genetics Tuebingen
Classification: Likely benign. Last evaluated: 2024-10-01. Review status: criteria provided, single submitter. Criteria: CeGaT Center For Human Genetics Tuebingen Variant Classification Criteria Version 2. Collection method: clinical testing. Allele origin: germline. Affected: yes. Observed: 1 variant allele.
Comment: SPTAN1: BP4, BP7

Labcorp Genetics (formerly Invitae), Labcorp
Classification: Likely benign for Early-infantile DEE. Last evaluated: 2024-06-04. Review status: criteria provided, single submitter. Criteria: Invitae Variant Classification Sherloc (09022015). Collection method: clinical testing. Allele origin: germline.

GeneDx
Classification: Likely benign. Last evaluated: 2021-02-24. Review status: criteria provided, single submitter. Criteria: GeneDx Variant Classification Process June 2021. Collection method: clinical testing. Allele origin: germline. Affected: yes.

Ambry Genetics
Classification: Likely benign for Inborn genetic diseases. Last evaluated: 2016-12-15. Review status: criteria provided, single submitter. Criteria: Ambry Variant Classification Scheme 2023. Collection method: clinical testing. Allele origin: germline.